The following is an entry in ClinVar:

ClinVar aggregate classification (germline): Conflicting classifications of pathogenicity. Review status: criteria provided, conflicting classifications (1 of 4 stars). 4 submissions from 4 submitters: Likely pathogenic (1); Uncertain significance (3). Last evaluated 2025-12-10.

Conditions:
Cardiomyopathy (CMYO). Also called: Cardiomyopathies. Identifiers: Orphanet 167848, MedGen C0878544, MONDO:0004994, HP:0001638. Inheritance: Various modes of inheritance.
Hypertrophic cardiomyopathy. Also called: HYPERTROPHIC MYOCARDIOPATHY. Identifiers: Orphanet 217569, MedGen C0007194, MeSH D002312, MONDO:0005045, HP:0001639.
Dilated cardiomyopathy 1S (CMD1S). Identifiers: Orphanet 154, Orphanet 54260, MedGen C1834481, MONDO:0013262, OMIM 613426.
Hypertrophic cardiomyopathy 1 (CMH1). Also called: MYH7-Related Familial Hypertrophic Cardiomyopathy; Familial hypertrophic cardiomyopathy 1. Identifiers: MedGen C3495498, MONDO:0008647, OMIM 192600.

Allele frequency attached by ClinVar (database versions not stated): gnomAD exomes below 0.00001.
gnomAD v4.1: 6 of 1,612,856 alleles (0.00037%); highest among the groups gnomAD compares: East Asian, 0.0022%; no homozygotes.

Submissions (4):

Victorian Clinical Genetics Services, Murdoch Childrens Research Institute
Classification: Uncertain significance for Dilated cardiomyopathy 1S. Last evaluated: 2025-12-10. Review status: criteria provided, single submitter. Criteria: ACMG Guidelines, 2015. Collection method: clinical testing. Allele origin: germline. Affected: yes.
Comment: This variant is classified as VUS-3A. Evidence in support of pathogenic classification: Variant is present in gnomAD <0.01 (v4: 6 heterozygote(s), 0 homozygote(s)) ; Other missense variant(s) comparable to the one identified in this case have moderate previous evidence for pathogenicity. These alternative changes (p.(Arg369Gln), p.(Arg369Pro)) have been reported once as a VUS, but more commonly as likely pathogenic and pathogenic by clinical laboratories in ClinVar. Additionally, they have been reported in individuals with DCM and LVNC, where several were found to be de novo for the variants (ClinVar, PMID: 20031619); Variant affects at least one well-established (essential) functional domain or motif, (head region; PMID 29300372). Additionally, functional studies have shown that p.(Arg369His)) causes decreased myosin maximal binding to F-actin (PMID: 35269675); Missense variant consistently predicted to be damaging by multiple in silico tools or highly conserved with a major amino acid change. Additional information: Variant is predicted to result in a missense amino acid change from Arg to Trp; This variant is heterozygous; This gene is associated with both recessive and dominant disease. Disease associated with this gene usually has autosomal dominant inheritance; however, a recessive inheritance pattern has been observed in severe cases (OMIM). - Alternative amino acid change(s) at the same position are present in gnomAD (Highest allele count: v4: 1 heterozygote(s), 0 homozygote(s)) ; Previous reports of pathogenicity for this variant are conflicting. This variant has been classified twice as a VUS, and once as likely pathogenic, by clinical laboratories in ClinVar, but has also been described as likely pathogenic in an individual with DCM (PMID: 33906374, PMID: 35026164). Additionally, this variant was observed twice in a family with DCM, but they were also heterozygous for a causative variant in the TTN gene (PMID: 39844436); No segregation evidence has been identified for this variant; No published functional evidence has been identified for this variant; The mechanism of disease for this gene is not clearly established; however, missense variants have been proposed to act in a dominant negative manner (PMID: 24714796); The condition associated with this gene has incomplete penetrance (PMID: 29300372). - Inheritance information for this variant is not currently available in this individual.

Labcorp Genetics (formerly Invitae), Labcorp
Classification: Uncertain significance for Hypertrophic cardiomyopathy. Last evaluated: 2025-09-23. Review status: criteria provided, single submitter. Criteria: Invitae Variant Classification Sherloc (09022015). Collection method: clinical testing. Allele origin: germline.
Comment: This sequence change replaces arginine, which is basic and polar, with tryptophan, which is neutral and slightly polar, at codon 369 of the MYH7 protein (p.Arg369Trp). This variant is present in population databases (no rsID available, gnomAD 0.006%). This missense change has been observed in individual(s) with dilated cardiomyopathy (PMID: 33906374). ClinVar contains an entry for this variant (Variation ID: 834782). Invitae Evidence Modeling of protein sequence and biophysical properties (such as structural, functional, and spatial information, amino acid conservation, physicochemical variation, residue mobility, and thermodynamic stability) indicates that this missense variant is expected to disrupt MYH7 protein function with a positive predictive value of 95%. This variant disrupts the p.Arg369 amino acid residue in MYH7. Other variant(s) that disrupt this residue have been determined to be pathogenic (PMID: 20031619, 20530761, 24503780, 24691700; internal data). This suggests that this residue is clinically significant, and that variants that disrupt this residue are likely to be disease-causing. In summary, the available evidence is currently insufficient to determine the role of this variant in disease. Therefore, it has been classified as a Variant of Uncertain Significance.

3billion
Classification: Likely pathogenic for Hypertrophic cardiomyopathy 1. Last evaluated: 2025-04-18. Review status: criteria provided, single submitter. Criteria: ACMG Guidelines, 2015. Collection method: clinical testing. Allele origin: germline. Affected: yes.

All of Us Research Program, National Institutes of Health
Classification: Uncertain significance for Cardiomyopathy. Last evaluated: 2023-06-26. Review status: criteria provided, single submitter. Criteria: ACMG Guidelines, 2015. Collection method: clinical testing. Allele origin: germline. Inheritance: Autosomal dominant inheritance. Observed: 1 variant allele, 1 heterozygote.
Comment: This missense variant replaces arginine with tryptophan at codon 369 of the MYH7 protein. This variant is found within a highly conserved region of the myosin head domain. Missense variants in this region have been shown to be significantly overrepresented in individuals with hypertrophic cardiomyopathy (PMID: 27532257). Computational prediction suggests that this variant may have deleterious impact on protein structure and function (internally defined REVEL score threshold >= 0.7, PMID: 27666373). To our knowledge, functional studies have not been reported for this variant. This variant has not been reported in individuals affected with MYH7-related disorders in the literature. A different variant occurring at the same codon, p.Arg269Gln, is a likely pathogenic mutation (Clinvar variation ID: 42822), indicating that arginine at this position is important for MYH7 protein function. This variant has been identified in 1/251380 chromosomes in the general population by the Genome Aggregation Database (gnomAD). The available evidence is insufficient to determine the role of this variant in disease conclusively. Therefore, this variant is classified as a Variant of Uncertain Significance.

This study involves interpretation of variants in research participants for the purpose of population health screening. Participant phenotype was not available at the time of variant classification. Additional details can be found in publication PMID: 35346344, PMCID: PMC8962531

Literature cited by the submitters: PubMed 29300372 (cited by Victorian Clinical Genetics Services, Murdoch Childrens Research Institute); PubMed 33906374 (cited by 3 submitters); PubMed 35026164 (cited by Victorian Clinical Genetics Services, Murdoch Childrens Research Institute); PubMed 39844436 (cited by Victorian Clinical Genetics Services, Murdoch Childrens Research Institute); PubMed 35269675 (cited by Victorian Clinical Genetics Services, Murdoch Childrens Research Institute); PubMed 24714796 (cited by Victorian Clinical Genetics Services, Murdoch Childrens Research Institute); PubMed 20031619 (cited by 3 submitters); PubMed 20530761 (cited by Labcorp Genetics (formerly Invitae), Labcorp); PubMed 24503780 (cited by Labcorp Genetics (formerly Invitae), Labcorp); PubMed 24691700 (cited by Labcorp Genetics (formerly Invitae), Labcorp); PubMed 27532257 (cited by All of Us Research Program, National Institutes of Health).

NM_000257.4(MYH7):c.1105C>T (p.Arg369Trp)

Gene: MYH7 (myosin heavy chain 7; minus strand). Cytogenetic location: 14q11.2.
Variant type: single nucleotide variant.
Coding change: c.1105C>T on transcript NM_000257.4 (MANE Select); coding-DNA position 1105, C replaced by T.
Protein change: p.Arg369Trp; replaces arginine 369 with tryptophan.
Molecular consequence: missense variant.
Genome position (GRCh38, 1-based): chr14:23,429,808, G>A on the plus strand (C>T on the coding strand, the complement: MYH7 is on the minus strand). VCF-style: chr14-23429808-G-A. GRCh37 (hg19) VCF-style: chr14-23899017-G-A.
Other names: c.1105C>T (NM_000257.2); short protein forms R369W.
Identifiers: ClinVar variation 834782 (VCV000834782.12), dbSNP rs1318155896, ClinGen allele CA389051344.